The following is an entry in ClinVar:

ClinVar aggregate classification (germline): Likely benign. Review status: criteria provided, multiple submitters, no conflicts (2 of 4 stars). 2 submissions from 2 submitters: Likely benign (2). Last evaluated 2025-08-29.

Conditions:
Hypophosphatasia. Also called: Phosphoethanol-aminuria. Identifiers: Orphanet 436, MedGen C0020630, MeSH D007014, MONDO:0018570.

Allele frequency attached by ClinVar (database versions not stated): gnomAD exomes below 0.00001 and 0.00001; ExAC 0.00002.
gnomAD v4.1: 5 of 1,614,100 alleles (0.00031%); highest among the groups gnomAD compares: South Asian, 0.0044%; no homozygotes.

Submissions (2):

Genomenon, Inc
Classification: Likely benign for Hypophosphatasia. Last evaluated: 2025-08-29. Review status: criteria provided, single submitter. Criteria: Genomenon Sequence Variant Interpretation Standards. Collection method: curation. Allele origin: germline. Affected: yes.
Comment: ALPL c.117T>C is a synonymous variant that retains Tyrosine at residue 39. This variant has been observed in at least one proband affected with hypophosphatasia (PMID:28547134). It is absent or not present at a significant frequency in gnomAD. This synonymous variant is not predicted to impact splicing. In conclusion, we classify ALPL c.117T>C as a likely benign variant.

Labcorp Genetics (formerly Invitae), Labcorp
Classification: Likely benign. Last evaluated: 2023-12-31. Review status: criteria provided, single submitter. Criteria: Invitae Variant Classification Sherloc (09022015). Collection method: clinical testing. Allele origin: germline.

Literature cited by the submitters: PubMed 28547134 (cited by Genomenon, Inc).

NM_000478.6(ALPL):c.117T>C (p.Tyr39=)

Gene: ALPL (alkaline phosphatase, biomineralization associated; plus strand). Cytogenetic location: 1p36.12.
Variant type: single nucleotide variant.
Coding change: c.117T>C on transcript NM_000478.6 (MANE Select); coding-DNA position 117, T replaced by C.
Protein change: p.Tyr39=; no amino-acid change (tyrosine 39 retained).
Molecular consequence: synonymous variant. On other transcripts: 5 prime UTR variant (1), missense variant (1), initiator codon variant (1).
Genome position (GRCh38, 1-based): chr1:21,560,681, T>C. VCF-style: chr1-21560681-T-C. GRCh37 (hg19) VCF-style: chr1-21887174-T-C.
Other names: c.-49T>C (NM_001127501.4); c.2T>C, p.Met1Thr (NM_001177520.3); c.117T>C, p.Tyr39= (NM_001369803.2, NM_001369804.2, NM_001369805.2); short protein forms M1T.
Identifiers: ClinVar variation 1645928 (VCV001645928.10), dbSNP rs748438719, ClinGen allele CA666400.